The following is an entry in ClinVar:

NM_000292.3(PHKA2):c.285+1del

Gene: PHKA2 (phosphorylase kinase regulatory subunit alpha 2; minus strand). Cytogenetic location: Xp22.13.
Variant type: Deletion.
Coding change: c.285+1del on transcript NM_000292.3 (MANE Select); the canonical splice donor site of the intron after coding-DNA position 285, one base deleted (G; older notation c.285+1delG).
Molecular consequence: splice donor variant.
Genome position (GRCh38, 1-based): chrX:18,952,493, C deleted on the plus strand (G on the coding strand, the reverse complement: PHKA2 is on the minus strand); the first of 2 consecutive C bases (chrX:18,952,493-18,952,494); deleting either gives the same sequence. VCF-style (leftmost placement, unchanged base first): chrX-18952492-AC-A. GRCh37 (hg19) VCF-style: chrX-18970610-AC-A.
Identifiers: ClinVar variation 2571357 (VCV002571357.27), dbSNP rs2518513500, ClinGen allele CA2579565142.
Genomic context (GRCh38, chrX:18,952,492, plus strand): 5'-CTGTCACAATTACAATGACATGGAATGCCCACTTGGCAAACACGTGTGTGGGTTCTGCCT[AC>A]CTGTCTCATCATGCACTGGAGAAGACCTCGCATCAGCTTCACCACGTTCTGTGGAGATAA-3'

ClinVar aggregate classification (germline): Pathogenic (1 of 4 stars; one submission).

Submission:

CeGaT Center for Human Genetics Tuebingen
Classification: Pathogenic. Last evaluated: 2023-04-01. Review status: criteria provided, single submitter. Criteria: CeGaT Center For Human Genetics Tuebingen Variant Classification Criteria Version 2. Collection method: clinical testing. Allele origin: germline. Affected: yes. Observed: 1 variant allele.
Comment: PHKA2: PVS1, PM2, PP4